The following is an entry in ClinVar:

NM_000228.3(LAMB3):c.308del (p.Pro103fs)

Gene: LAMB3 (laminin subunit beta 3; minus strand). Cytogenetic location: 1q32.2.
Variant type: Deletion.
Coding change: c.308del on transcript NM_000228.3 (MANE Select); coding-DNA position 308, one base deleted (C; older notation c.308delC).
Protein change: p.Pro103fs; shifts the reading frame from proline 103.
Molecular consequence: frameshift variant.
Genome position (GRCh38, 1-based): chr1:209,637,972, G deleted on the plus strand (C on the coding strand, the reverse complement: LAMB3 is on the minus strand); the first of 3 consecutive G bases (chr1:209,637,972-209,637,974); deleting any one gives the same sequence. VCF-style (leftmost placement, unchanged base first): chr1-209637971-AG-A. GRCh37 (hg19) VCF-style: chr1-209811316-AG-A.
Other names: c.308del, p.Pro103fs (NM_001017402.2, NM_001127641.1); short protein forms P103fs.
Identifiers: ClinVar variation 550189 (VCV000550189.8), dbSNP rs1553279073, ClinGen allele CA658822571.

ClinVar aggregate classification (germline): Pathogenic. Review status: criteria provided, single submitter (1 of 4 stars). 2 submissions from 2 submitters: Pathogenic (1). 1 of the submissions does not count toward it. Last evaluated 2025-08-13.

Conditions:
Junctional epidermolysis bullosa gravis of Herlitz. Also called: Epidermolysis Bullosa Letalis; EPIDERMOLYSIS BULLOSA JUNCTIONALIS, HERLITZ TYPE; EPIDERMOLYSIS BULLOSA, JUNCTIONAL, HERLITZ-PEARSON TYPE; JEB-HERLITZ TYPE; Herlitz-type junctional epidermolysis bullosa; EPIDERMOLYSIS BULLOSA, JUNCTIONAL 1B, SEVERE. Identifiers: Orphanet 79404, MedGen C0079683, MONDO:0009182, OMIM 226700.

Submissions (2):

Labcorp Genetics (formerly Invitae), Labcorp
Classification: Pathogenic. Last evaluated: 2025-08-13. Review status: criteria provided, single submitter. Criteria: Invitae Variant Classification Sherloc (09022015). Collection method: clinical testing. Allele origin: germline.
Comment: This sequence change creates a premature translational stop signal (p.Pro103Leufs*18) in the LAMB3 gene. It is expected to result in an absent or disrupted protein product. Loss-of-function variants in LAMB3 are known to be pathogenic (PMID: 11023379, 16473856). This variant is not present in population databases (gnomAD no frequency). This variant has not been reported in the literature in individuals affected with LAMB3-related conditions. ClinVar contains an entry for this variant (Variation ID: 550189). For these reasons, this variant has been classified as Pathogenic.

Counsyl
Classification: Likely pathogenic for Junctional epidermolysis bullosa gravis of Herlitz. Last evaluated: 2017-01-10. Review status: no assertion criteria provided. Collection method: clinical testing. Allele origin: unknown. Not counted in ClinVar's aggregate classification.

Literature cited by the submitters: PubMed 11023379 (cited by Labcorp Genetics (formerly Invitae), Labcorp); PubMed 16473856 (cited by Labcorp Genetics (formerly Invitae), Labcorp).